The following is an entry in ClinVar:

ClinVar aggregate classification (germline): Uncertain significance. Review status: criteria provided, single submitter (1 of 4 stars). 2 submissions from 2 submitters: Uncertain significance (1). 1 of the submissions does not count toward it. Last evaluated 2024-11-22.

Conditions:
Hereditary cancer-predisposing syndrome. Also called: Hereditary Cancer Syndrome; Hereditary neoplastic syndrome; Neoplastic Syndromes, Hereditary; Tumor predisposition. Identifiers: Orphanet 140162, MedGen C0027672, MeSH D009386, MONDO:0015356.

Submissions (2):

Ambry Genetics
Classification: Uncertain significance for Hereditary cancer-predisposing syndrome. Last evaluated: 2024-11-22. Review status: criteria provided, single submitter. Criteria: Ambry Variant Classification Scheme 2023. Collection method: clinical testing. Allele origin: germline.
Comment: The p.D2656Y variant (also known as c.7966G>T), located in coding exon 15 of the APC gene, results from a G to T substitution at nucleotide position 7966. The aspartic acid at codon 2656 is replaced by tyrosine, an amino acid with highly dissimilar properties. This amino acid position is conserved. In addition, in silico predictors for this gene do not accurately predict pathogenicity. Based on the available evidence, the clinical significance of this variant remains unclear.

Department of Pathology and Laboratory Medicine, Sinai Health System
Classification: Uncertain significance. Review status: no assertion criteria provided. Collection method: clinical testing. Allele origin: unknown. Affected: yes. Observed: 1 variant allele. Study: The Canadian Open Genetics Repository (COGR). Not counted in ClinVar's aggregate classification.
Comment: The APC p.Asp2656Tyr variant was identified in 1 of 1260 proband chromosomes (frequency: 0.001) from individuals or families with sproradic colorectal cancer (Christie 2013). The patient identified in this study was found to have a second APC variant c.3878delC. The patient tumour showed loss of heterozygosity. The variant was also identified in the COSMIC database. The variant was not identified in dbSNP, NHLBI Exome Sequencing Project (Exome Variant Server), the Exome Aggregation Consortium, Clinvitae database, InSiGHT Colon Cancer Gene Variant Database (LOVD), Zhejiang Colon Cancer Database (LOVD), ClinVar database, GeneInsight - COGR database, and UMD. The p.Asp2656 residue is conserved across mammals and other organisms, and computational analyses (PolyPhen-2, SIFT, AlignGVGD, BLOSUM, MutationTaster) suggest that the variant may impact the protein; however, this information is not predictive enough to assume pathogenicity. The variant occurs outside of the splicing consensus sequence and 4 of 5 in silico or computational prediction software programs (SpliceSiteFinder, MaxEntScan, NNSPLICE, GeneSplicer, HumanSpliceFinder) predict a greater than 10% difference in splicing. In summary, based on the above information, the clinical significance of this variant cannot be determined with certainty at this time. This variant is classified as a variant of uncertain significance.

NM_000038.6(APC):c.7966G>T (p.Asp2656Tyr)

Gene: APC (APC regulator of Wnt signaling pathway; plus strand). Cytogenetic location: 5q22.2.
Variant type: single nucleotide variant.
Coding change: c.7966G>T on transcript NM_000038.6 (MANE Select); coding-DNA position 7966, G replaced by T.
Protein change: p.Asp2656Tyr; replaces aspartic acid 2656 with tyrosine.
Molecular consequence: missense variant.
Genome position (GRCh38, 1-based): chr5:112,843,560, G>T. VCF-style: chr5-112843560-G-T. GRCh37 (hg19) VCF-style: chr5-112179257-G-T.
Other names: c.7966G>T, p.Asp2656Tyr (NM_001127510.3, NM_001354895.2); c.7912G>T, p.Asp2638Tyr (NM_001127511.3); c.8020G>T, p.Asp2674Tyr (NM_001354896.2); c.7996G>T, p.Asp2666Tyr (NM_001354897.2); c.7891G>T, p.Asp2631Tyr (NM_001354898.2); c.7882G>T, p.Asp2628Tyr (NM_001354899.2); c.7843G>T, p.Asp2615Tyr (NM_001354900.2); c.7789G>T, p.Asp2597Tyr (NM_001354901.2); and 5 more; short protein forms D2638Y, D2656Y, D2615Y, D2373Y, D2597Y, D2628Y, D2631Y, D2555Y.
Identifiers: ClinVar variation 433679 (VCV000433679.3), dbSNP rs1554088797, ClinGen allele CA16038632.
Genomic context (GRCh38, chr5:112,843,560, plus strand): 5'-AATGGTGCTGAATCAAAGACTCTAATTTATCAAATGGCACCTGCTGTTTCTAAAACAGAG[G>T]ATGTTTGGGTGAGAATTGAGGACTGTCCCATTAACAATCCTAGATCTGGAAGATCTCCCA-3'
Protein context (NP_000029.2, residues 2646-2666): QMAPAVSKTE[Asp2656Tyr]VWVRIEDCPI